The following is an entry in ClinVar:

ClinVar aggregate classification (germline): Uncertain significance (1 of 4 stars; one submission).

Conditions:
RASopathy. Also called: Noonan spectrum disorder; rasopathies. Identifiers: Orphanet 536391, MedGen C5555857, MONDO:0021060.

Submission:

Labcorp Genetics (formerly Invitae), Labcorp
Classification: Uncertain significance for RASopathy. Last evaluated: 2021-08-01. Review status: criteria provided, single submitter. Criteria: Invitae Variant Classification Sherloc (09022015). Collection method: clinical testing. Allele origin: germline.
Comment: In summary, the available evidence is currently insufficient to determine the role of this variant in disease. Therefore, it has been classified as a Variant of Uncertain Significance. Nucleotide substitutions within the consensus splice site are a relatively common cause of aberrant splicing (PMID: 17576681, 9536098). Algorithms developed to predict the effect of sequence changes on RNA splicing suggest that this variant may disrupt the consensus splice site. This variant has not been reported in the literature in individuals affected with PTPN11-related conditions. This variant is not present in population databases (ExAC no frequency). This variant results in the deletion of part of exon 15 (c.1713-6_1730del) of the PTPN11 gene. While this variant is not anticipated to result in nonsense mediated decay, it likely alters RNA splicing and results in a disrupted protein product.

Literature cited by the submitters: PubMed 17576681; PubMed 9536098.

NM_002834.5(PTPN11):c.1713-6_1730del

Gene: PTPN11 (protein tyrosine phosphatase non-receptor type 11; plus strand). Cytogenetic location: 12q24.13.
Variant type: Deletion.
Coding change: c.1713-6_1730del on transcript NM_002834.5 (MANE Select); 6 bases into the intron before coding-DNA position 1713 through coding-DNA position 1730, 24 bases deleted (CTCCAGAATGAGAGAAGACAGTGC).
Molecular consequence: splice acceptor variant.
Genome position (GRCh38, 1-based): chr12:112,504,689-112,504,712, CTCCAGAATGAGAGAAGACAGTGC deleted. VCF-style (leftmost placement, unchanged base first): chr12-112504688-TCTCCAGAATGAGAGAAGACAGTGC-T. GRCh37 (hg19) VCF-style: chr12-112942492-TCTCCAGAATGAGAGAAGACAGTGC-T.
Other names: c.1725-6_1742del (NM_001330437.2); c.1710-6_1727del (NM_001374625.1).
Identifiers: ClinVar variation 1403265 (VCV001403265.6), dbSNP rs2135930793, ClinGen allele CA2573148032.